The following is an entry in ClinVar:

ClinVar aggregate classification (germline): Uncertain significance (1 of 4 stars; one submission).

Conditions:
Dilated cardiomyopathy 1DD (CMD1DD). Identifiers: Orphanet 154, MedGen C2750995, MONDO:0013168, OMIM 613172.

Submission:

Labcorp Genetics (formerly Invitae), Labcorp
Classification: Uncertain significance for Dilated cardiomyopathy 1DD. Last evaluated: 2023-03-24. Review status: criteria provided, single submitter. Criteria: Invitae Variant Classification Sherloc (09022015). Collection method: clinical testing. Allele origin: germline.
Comment: This sequence change replaces proline, which is neutral and non-polar, with serine, which is neutral and polar, at codon 182 of the RBM20 protein (p.Pro182Ser). This variant is not present in population databases (gnomAD no frequency). This variant has not been reported in the literature in individuals affected with RBM20-related conditions. Advanced modeling of protein sequence and biophysical properties (such as structural, functional, and spatial information, amino acid conservation, physicochemical variation, residue mobility, and thermodynamic stability) performed at Invitae indicates that this missense variant is not expected to disrupt RBM20 protein function. In summary, the available evidence is currently insufficient to determine the role of this variant in disease. Therefore, it has been classified as a Variant of Uncertain Significance.

NM_001134363.3(RBM20):c.544C>T (p.Pro182Ser)

Gene: RBM20 (RNA binding motif protein 20; plus strand). Cytogenetic location: 10q25.2.
Variant type: single nucleotide variant.
Coding change: c.544C>T on transcript NM_001134363.3 (MANE Select); coding-DNA position 544, C replaced by T.
Protein change: p.Pro182Ser; replaces proline 182 with serine.
Molecular consequence: missense variant.
Genome position (GRCh38, 1-based): chr10:110,781,153, C>T. VCF-style: chr10-110781153-C-T. GRCh37 (hg19) VCF-style: chr10-112540911-C-T.
Other names: short protein forms P182S.
Identifiers: ClinVar variation 2906412 (VCV002906412.3), dbSNP rs397516622, ClinGen allele CA378381096.
Genomic context (GRCh38, chr10:110,781,153, plus strand): 5'-ACCCGGTTTCCCTCTAATGCAATTGCCTTTTCACCCCCCAGCCAGACACGAGGCCCCGGA[C>T]CCTCCATGAACCTTCCCAACCAGCCACCCAGTGCCATGGTGATGCATCCTTTCACTGGGG-3'
Protein context (NP_001127835.2, residues 172-192): SPPSQTRGPG[Pro182Ser]SMNLPNQPPS